The following is an entry in ClinVar:

NM_004727.3(SLC24A1):c.984G>A (p.Met328Ile)

Gene: SLC24A1 (solute carrier family 24 member 1; plus strand). Cytogenetic location: 15q22.31.
Variant type: single nucleotide variant.
Coding change: c.984G>A on transcript NM_004727.3 (MANE Select); coding-DNA position 984, G replaced by A.
Protein change: p.Met328Ile; replaces methionine 328 with isoleucine.
Molecular consequence: missense variant.
Genome position (GRCh38, 1-based): chr15:65,625,064, G>A. VCF-style: chr15-65625064-G-A. GRCh37 (hg19) VCF-style: chr15-65917402-G-A.
Other names: c.984G>A, p.Met328Ile (NM_001301031.1, NM_001301032.1, NM_001301033.2); c.984G>A (NM_004727.2); short protein forms M328I.
Identifiers: ClinVar variation 1023245 (VCV001023245.8), dbSNP rs772571056, ClinGen allele CA7619834.
Genomic context (GRCh38, chr15:65,625,064, plus strand): 5'-GGGAACAGTCCTGTTGCATACCCCAGCCACCTCTGAGGGGCAGGTGACAATAAGCACCAT[G>A]ACAGGCAGCAGCCCAGCAGAAACCAAAGCCTTCACTGCTGCCTGGAGTCTTAGGAATCCT-3'
Protein context (NP_004718.1, residues 318-338): TSEGQVTIST[Met328Ile]TGSSPAETKA

ClinVar aggregate classification (germline): Uncertain significance. Review status: criteria provided, multiple submitters, no conflicts (2 of 4 stars). 2 submissions from 2 submitters: Uncertain significance (2). Last evaluated 2024-12-07.

Conditions:
Inborn genetic diseases. Identifiers: MedGen C0950123, MeSH D030342.

Allele frequency attached by ClinVar (database versions not stated): gnomAD exomes 0.00002 and 0.00006; ExAC 0.00003; gnomAD 0.00004; TOPMed 0.00005.
gnomAD v4.1: 91 of 1,613,662 alleles (0.0056%); highest among the groups gnomAD compares: Non-Finnish European, 0.0076%; no homozygotes.

Submissions (2):

Ambry Genetics
Classification: Uncertain significance for Inborn genetic diseases. Last evaluated: 2024-12-07. Review status: criteria provided, single submitter. Criteria: Ambry Variant Classification Scheme 2023. Collection method: clinical testing. Allele origin: germline.

Labcorp Genetics (formerly Invitae), Labcorp
Classification: Uncertain significance. Last evaluated: 2023-04-05. Review status: criteria provided, single submitter. Criteria: Invitae Variant Classification Sherloc (09022015). Collection method: clinical testing. Allele origin: germline.
Comment: In summary, the available evidence is currently insufficient to determine the role of this variant in disease. Therefore, it has been classified as a Variant of Uncertain Significance. An algorithm developed to predict the effect of missense changes on protein structure and function (PolyPhen-2) suggests that this variant is likely to be tolerated. ClinVar contains an entry for this variant (Variation ID: 1023245). This variant has not been reported in the literature in individuals affected with SLC24A1-related conditions. This variant is present in population databases (rs772571056, gnomAD 0.006%). This sequence change replaces methionine, which is neutral and non-polar, with isoleucine, which is neutral and non-polar, at codon 328 of the SLC24A1 protein (p.Met328Ile).